The following is an entry in ClinVar:

ClinVar aggregate classification (germline): Pathogenic (1 of 4 stars; one submission).

Conditions:
Marfan syndrome (MFS). Also called: MARFAN SYNDROME, TYPE I; Marfan syndrome type 1; Marfan's syndrome; Marfan syndrome, classic; FBN1-Related Marfan Syndrome. Identifiers: Orphanet 284963, Orphanet 558, MedGen C0024796, MONDO:0007947, OMIM 154700.
Familial thoracic aortic aneurysm and aortic dissection (TAAD). Also called: Thoracic aortic aneurysms and dissections. Identifiers: Orphanet 91387, MedGen C4707243, MONDO:0019625.

Submission:

Labcorp Genetics (formerly Invitae), Labcorp
Classification: Pathogenic for Marfan syndrome; Familial thoracic aortic aneurysm and aortic dissection. Last evaluated: 2023-05-01. Review status: criteria provided, single submitter. Criteria: Invitae Variant Classification Sherloc (09022015). Collection method: clinical testing. Allele origin: germline.
Comment: For these reasons, this variant has been classified as Pathogenic. This variant has not been reported in the literature in individuals affected with FBN1-related conditions. This variant is not present in population databases (gnomAD no frequency). This sequence change creates a premature translational stop signal (p.Asn2346Thrfs*52) in the FBN1 gene. It is expected to result in an absent or disrupted protein product. Loss-of-function variants in FBN1 are known to be pathogenic (PMID: 17657824, 19293843).

Literature cited by the submitters: PubMed 17657824; PubMed 19293843.

NM_000138.5(FBN1):c.7037del (p.Asn2346fs)

Gene: FBN1 (fibrillin 1; minus strand). Cytogenetic location: 15q21.1.
Variant type: Deletion.
Coding change: c.7037del on transcript NM_000138.5 (MANE Select); coding-DNA position 7037, one base deleted (A; older notation c.7037delA).
Protein change: p.Asn2346fs; shifts the reading frame from asparagine 2346.
Molecular consequence: frameshift variant.
Genome position (GRCh38, 1-based): chr15:48,427,734, T deleted on the plus strand (A on the coding strand, the reverse complement: FBN1 is on the minus strand); the first of 4 consecutive T bases (chr15:48,427,734-48,427,737); deleting any one gives the same sequence. VCF-style (leftmost placement, unchanged base first): chr15-48427733-GT-G. GRCh37 (hg19) VCF-style: chr15-48719930-GT-G.
Other names: c.7037del, p.Asn2346fs (NM_001406716.1); short protein forms N2346fs.
Identifiers: ClinVar variation 2947351 (VCV002947351.3), dbSNP rs1131691656, ClinGen allele CA2740096560.